The following is an entry in ClinVar:

ClinVar aggregate classification (germline): Uncertain significance. Review status: criteria provided, multiple submitters, no conflicts (2 of 4 stars). 5 submissions from 5 submitters: Uncertain significance (5). Last evaluated 2026-05-22.

Conditions:
IFT172-related disorder. Also called: IFT172-related condition; IFT172-related disorders.
Short-rib thoracic dysplasia 10 with or without polydactyly (SRTD10). Identifiers: Orphanet 474, MedGen C3810175, MONDO:0014284, OMIM 615630.
Retinitis pigmentosa 71 (RP71). Identifiers: Orphanet 791, MedGen C4225342, MONDO:0014618, OMIM 616394.
Inborn genetic diseases. Identifiers: MedGen C0950123, MeSH D030342.

Allele frequency attached by ClinVar (database versions not stated): gnomAD 0.00001; TOPMed 0.00005.
gnomAD v4.1: 3 of 1,606,446 alleles (0.00019%); highest among the groups gnomAD compares: Admixed American, 0.0017%; no homozygotes.

Submissions (5):

PreventionGenetics, part of Exact Sciences
Classification: Uncertain significance for IFT172-related condition. Last evaluated: 2026-05-22. Review status: criteria provided, single submitter. Criteria: ACMG Guidelines, 2015. Collection method: clinical testing. Allele origin: germline.
Comment: The IFT172 c.1675A>G variant is predicted to result in the amino acid substitution p.Thr559Ala. To our knowledge, this variant has not been reported in the literature or in a large population database, indicating this variant is rare. At this time, the clinical significance of this variant is uncertain due to the absence of conclusive functional and genetic evidence.

Ambry Genetics
Classification: Uncertain significance for Inborn genetic diseases. Last evaluated: 2025-05-14. Review status: criteria provided, single submitter. Criteria: Ambry Variant Classification Scheme 2023. Collection method: clinical testing. Allele origin: germline.

GeneDx
Classification: Uncertain significance. Last evaluated: 2024-05-06. Review status: criteria provided, single submitter. Criteria: GeneDx Variant Classification Process June 2021. Collection method: clinical testing. Allele origin: germline. Affected: yes.
Comment: Not observed at significant frequency in large population cohorts (gnomAD); In silico analysis supports that this missense variant has a deleterious effect on protein structure/function; Has not been previously published as pathogenic or benign to our knowledge

Labcorp Genetics (formerly Invitae), Labcorp
Classification: Uncertain significance for Retinitis pigmentosa 71; Short-rib thoracic dysplasia 10 with or without polydactyly. Last evaluated: 2022-06-28. Review status: criteria provided, single submitter. Criteria: Invitae Variant Classification Sherloc (09022015). Collection method: clinical testing. Allele origin: germline.
Comment: This sequence change replaces threonine, which is neutral and polar, with alanine, which is neutral and non-polar, at codon 559 of the IFT172 protein (p.Thr559Ala). This variant is not present in population databases (gnomAD no frequency). This variant has not been reported in the literature in individuals affected with IFT172-related conditions. Algorithms developed to predict the effect of missense changes on protein structure and function are either unavailable or do not agree on the potential impact of this missense change (SIFT: "Deleterious"; PolyPhen-2: "Probably Damaging"; Align-GVGD: "Class C0"). In summary, the available evidence is currently insufficient to determine the role of this variant in disease. Therefore, it has been classified as a Variant of Uncertain Significance.

Blueprint Genetics
Classification: Uncertain significance. Last evaluated: 2021-06-17. Review status: criteria provided, single submitter. Criteria: ACMG Guidelines, 2015. Collection method: clinical testing. Allele origin: germline.

NM_015662.3(IFT172):c.1675A>G (p.Thr559Ala)

Gene: IFT172 (intraflagellar transport 172; minus strand). Cytogenetic location: 2p23.3.
Variant type: single nucleotide variant.
Coding change: c.1675A>G on transcript NM_015662.3 (MANE Select); coding-DNA position 1675, A replaced by G.
Protein change: p.Thr559Ala; replaces threonine 559 with alanine.
Molecular consequence: missense variant.
Genome position (GRCh38, 1-based): chr2:27,470,945, T>C on the plus strand (A>G on the coding strand, the complement: IFT172 is on the minus strand). VCF-style: chr2-27470945-T-C. GRCh37 (hg19) VCF-style: chr2-27693812-T-C.
Other names: c.1675A>G (NM_015662.2); c.1609A>G, p.Thr537Ala (NM_001410739.1); short protein forms T537A, T559A.
Identifiers: ClinVar variation 2109578 (VCV002109578.6), dbSNP rs1667518915, ClinGen allele CA346389498.
Genomic context (GRCh38, chr2:27,470,945, plus strand): 5'-TCAGCTCAATACCACATCTGAGGGCCCCTAGTGTCCAACATACCCTAATAGTGAACATGG[T>C]GACTCTCTCAGGTGCCTCAATGTTGTACCATACACACAGACTGTTTCGGTTCTGAGCTAC-3'
Protein context (NP_056477.1, residues 549-569): WYNIEAPERV[Thr559Ala]MFTIRGDVIG